The following is an entry in ClinVar:

NM_004656.4(BAP1):c.376-4G>A

Gene: BAP1 (BRCA1 associated deubiquitinase 1; minus strand). Cytogenetic location: 3p21.1.
Variant type: single nucleotide variant.
Coding change: c.376-4G>A on transcript NM_004656.4 (MANE Select); 4 bases into the intron before coding-DNA position 376, G replaced by A.
Molecular consequence: intron variant.
Genome position (GRCh38, 1-based): chr3:52,407,464, C>T on the plus strand (G>A on the coding strand, the complement: BAP1 is on the minus strand). VCF-style: chr3-52407464-C-T. GRCh37 (hg19) VCF-style: chr3-52441480-C-T.
Other names: c.376-4G>A (LRG_529t1).
Identifiers: ClinVar variation 240058 (VCV000240058.42), dbSNP rs369277958, ClinGen allele CA2437094.

ClinVar aggregate classification (germline): Benign/Likely benign. Review status: criteria provided, multiple submitters, no conflicts (2 of 4 stars). 11 submissions from 11 submitters: Benign (4); Likely benign (6). 1 of the submissions does not count toward it. Last evaluated 2026-02-03.

Conditions:
BAP1-related disorder. Also called: BAP1-related condition.
Hereditary cancer-predisposing syndrome. Also called: Tumor predisposition; Hereditary Cancer Syndrome; Neoplastic Syndromes, Hereditary; Hereditary neoplastic syndrome. Identifiers: Orphanet 140162, MedGen C0027672, MeSH D009386, MONDO:0015356.
BAP1-related tumor predisposition syndrome (TPDS1). Also called: BAP1 tumor predisposition syndrome; Tumor susceptibility linked to germline BAP1 mutations; COMMON Syndrome; TUMOR PREDISPOSITION SYNDROME 1. Identifiers: Orphanet 289539, MedGen C3280492, MONDO:0013692, OMIM 614327.

Allele frequency attached by ClinVar (database versions not stated): ExAC 0.00013; gnomAD exomes 0.00014 and 0.00022; gnomAD 0.00016 and 0.00017; TOPMed 0.00021; ESP Exome Variant Server 0.00023.
gnomAD v4.1: 377 of 1,614,120 alleles (0.023%); highest among the groups gnomAD compares: East Asian, 0.045%; no homozygotes.

Submissions (11):

Labcorp Genetics (formerly Invitae), Labcorp
Classification: Likely benign for BAP1-related tumor predisposition syndrome. Last evaluated: 2026-02-03. Review status: criteria provided, single submitter. Criteria: Invitae Variant Classification Sherloc (09022015). Collection method: clinical testing. Allele origin: germline.

Quest Diagnostics Nichols Institute San Juan Capistrano
Classification: Benign. Last evaluated: 2025-10-21. Review status: criteria provided, single submitter. Criteria: Quest Diagnostics criteria. Collection method: clinical testing. Allele origin: unknown.

CeGaT Center for Human Genetics Tuebingen
Classification: Likely benign. Last evaluated: 2025-05-01. Review status: criteria provided, single submitter. Criteria: CeGaT Center For Human Genetics Tuebingen Variant Classification Criteria Version 2. Collection method: clinical testing. Allele origin: germline. Affected: yes. Observed: 1 variant allele.
Comment: BAP1: BP4

Center for Genomic Medicine, Rigshospitalet, Copenhagen University Hospital
Classification: Likely benign. Last evaluated: 2025-03-04. Review status: criteria provided, single submitter. Criteria: ACMG Guidelines, 2015. Collection method: clinical testing. Allele origin: germline.

Blueprint Genetics
Classification: Likely benign. Last evaluated: 2024-09-05. Review status: criteria provided, single submitter. Criteria: ACMG Guidelines, 2015. Collection method: clinical testing. Allele origin: germline.

Myriad Genetics, Inc.
Classification: Benign for BAP1-related tumor predisposition syndrome. Last evaluated: 2024-07-12. Review status: criteria provided, single submitter. Criteria: Myriad Autosomal Dominant, Autosomal Recessive and X-Linked Classification Criteria (2023). Collection method: clinical testing. Allele origin: unknown.
Comment: This variant is considered benign. This variant is intronic and is not expected to impact mRNA splicing. This variant has been observed at a population frequency that is significantly greater than expected given the associated disease prevalence and penetrance.

Sema4
Classification: Benign for Hereditary cancer-predisposing syndrome. Last evaluated: 2022-01-23. Review status: criteria provided, single submitter. Criteria: Sema4 Curation Guidelines. Collection method: curation. Allele origin: germline.

GeneDx
Classification: Likely benign. Last evaluated: 2021-03-30. Review status: criteria provided, single submitter. Criteria: GeneDx Variant Classification Process June 2021. Collection method: clinical testing. Allele origin: germline. Affected: yes.

Ambry Genetics
Classification: Benign for Hereditary cancer-predisposing syndrome. Last evaluated: 2020-06-02. Review status: criteria provided, single submitter. Criteria: Ambry Variant Classification Scheme 2023. Collection method: clinical testing. Allele origin: germline.

Color Diagnostics, LLC DBA Color Health
Classification: Likely benign for Hereditary cancer-predisposing syndrome. Last evaluated: 2016-06-17. Review status: criteria provided, single submitter. Criteria: ACMG Guidelines, 2015. Collection method: clinical testing. Allele origin: germline.

PreventionGenetics, part of Exact Sciences
Classification: Likely benign for BAP1-related condition. Last evaluated: 2019-07-16. Review status: no assertion criteria provided. Collection method: clinical testing. Allele origin: germline. Not counted in ClinVar's aggregate classification.
Comment: This variant is classified as likely benign based on ACMG/AMP sequence variant interpretation guidelines (Richards et al. 2015 PMID: 25741868, with internal and published modifications).